The following is an entry in ClinVar:

ClinVar aggregate classification (germline): Likely benign. Review status: criteria provided, single submitter (1 of 4 stars). 2 submissions from 2 submitters: Likely benign (1). 1 of the submissions does not count toward it. Last evaluated 2024-05-28.

Conditions:
ATP1A2-related disorder. Also called: ATP1A2-related condition; ATP1A2-RELATED DISORDERS.
Familial hemiplegic migraine. Identifiers: MedGen C0338484, MONDO:0000700.

Submissions (2):

Labcorp Genetics (formerly Invitae), Labcorp
Classification: Likely benign for Familial hemiplegic migraine. Last evaluated: 2024-05-28. Review status: criteria provided, single submitter. Criteria: Invitae Variant Classification Sherloc (09022015). Collection method: clinical testing. Allele origin: germline.

PreventionGenetics, part of Exact Sciences
Classification: Likely benign for ATP1A2-related condition. Last evaluated: 2020-03-23. Review status: no assertion criteria provided. Collection method: clinical testing. Allele origin: germline. Not counted in ClinVar's aggregate classification.
Comment: This variant is classified as likely benign based on ACMG/AMP sequence variant interpretation guidelines (Richards et al. 2015 PMID: 25741868, with internal and published modifications).

NM_000702.4(ATP1A2):c.749-4G>A

Gene: ATP1A2 (ATPase Na+/K+ transporting subunit alpha 2; plus strand). Cytogenetic location: 1q23.2.
Variant type: single nucleotide variant.
Coding change: c.749-4G>A on transcript NM_000702.4 (MANE Select); 4 bases into the intron before coding-DNA position 749, G replaced by A.
Molecular consequence: intron variant.
Genome position (GRCh38, 1-based): chr1:160,127,548, G>A. VCF-style: chr1-160127548-G-A. GRCh37 (hg19) VCF-style: chr1-160097338-G-A.
Other names: c.749-4G>A (NM_000702.3).
Identifiers: ClinVar variation 2090882 (VCV002090882.6), dbSNP rs1651624223, ClinGen allele CA1202191842.
Genomic context (GRCh38, chr1:160,127,548, plus strand): 5'-TAGGATGGGACTGCAGTCCCTGGGAGCCACAAGGCACCCAACCTGATGCCCCACCATGTT[G>A]CAGGCACTGCCAGGGGCATTGTGATTGCCACAGGAGACCGGACGGTGATGGGCCGCATAG-3'